The following is an entry in ClinVar:

NM_012210.4(TRIM32):c.1503A>G (p.Gly501=)

Genes: ASTN2 (astrotactin 2; minus strand), TRIM32 (tripartite motif containing 32; plus strand). Cytogenetic location: 9q33.1.
Variant type: single nucleotide variant.
Coding change: c.1503A>G on transcript NM_012210.4 (MANE Select); coding-DNA position 1503, A replaced by G.
Protein change: p.Gly501=; no amino-acid change (glycine 501 retained).
Molecular consequence: synonymous variant. On other transcripts: intron variant (3).
Genome position (GRCh38, 1-based): chr9:116,699,245, A>G. VCF-style: chr9-116699245-A-G. GRCh37 (hg19) VCF-style: chr9-119461524-A-G.
Other names: c.1503A>G, p.Gly501= (NM_001099679.2, NM_001379048.1, NM_001379049.1 and 1 more transcripts); c.2653+26526T>C (NM_014010.5); c.2794+26526T>C (NM_001365069.1); c.2806+26526T>C (NM_001365068.1).
Identifiers: ClinVar variation 392538 (VCV000392538.2), dbSNP rs1057524533, ClinGen allele CA16605304.
Genomic context (GRCh38, chr9:116,699,245, plus strand): 5'-CCAGTTTGTAGTAACCGATGTGGAAGGTGGAAAGCTTTGGTGTTTCACAGTTGATCGAGG[A>G]TCAGGGGTGGTCAAATACAGCTGCCTATGTAGTGCTGTGCGGCCCAAATTTGTCACCTGT-3'
Protein context (NP_036342.2, residues 491-511): GKLWCFTVDR[Gly501=]SGVVKYSCLC

ClinVar aggregate classification (germline): Likely benign. Review status: criteria provided, multiple submitters, no conflicts (2 of 4 stars). 2 submissions from 2 submitters: Likely benign (2). Last evaluated 2022-04-12.

Allele frequency attached by ClinVar (database versions not stated): gnomAD exomes below 0.00001.
gnomAD v4.1: 4 of 1,614,198 alleles (0.00025%); highest among the groups gnomAD compares: Non-Finnish European, 0.00034%; no homozygotes.

Submissions (2):

Blueprint Genetics
Classification: Likely benign. Last evaluated: 2022-04-12. Review status: criteria provided, single submitter. Criteria: ACMG Guidelines, 2015. Collection method: clinical testing. Allele origin: germline.

GeneDx
Classification: Likely benign. Last evaluated: 2017-01-09. Review status: criteria provided, single submitter. Criteria: GeneDx Variant Classification (06012015). Collection method: clinical testing. Allele origin: germline. Affected: yes.
Comment: This variant is considered likely benign or benign based on one or more of the following criteria: it is a conservative change, it occurs at a poorly conserved position in the protein, it is predicted to be benign by multiple in silico algorithms, and/or has population frequency not consistent with disease.